The following is an entry in ClinVar:

ClinVar aggregate classification (germline): Uncertain significance (1 of 4 stars; one submission).

Submission:

Women's Health and Genetics/Laboratory Corporation of America, LabCorp
Classification: Uncertain significance. Last evaluated: 2025-06-12. Review status: criteria provided, single submitter. Criteria: LabCorp Variant Classification Summary - May 2015. Collection method: clinical testing. Allele origin: germline.
Comment: Variant summary: DPYD c.2177_2179dupAAG (p.Glu726dup) results in an in-frame duplication that is predicted to duplicate 1 amino acid into the encoded protein. Consensus agreement among computation tools predict no significant impact on normal splicing. However, these predictions have yet to be confirmed by functional studies. The variant was absent in 250828 control chromosomes. The available data on variant occurrences in the general population are insufficient to allow any conclusion about variant significance. To our knowledge, no occurrence of c.2177_2179dupAAG in individuals affected with Dihydropyrimidine Dehydrogenase Deficiency and no experimental evidence demonstrating its impact on protein function have been reported. No submitters have cited clinical-significance assessments for this variant to ClinVar. Based on the evidence outlined above, the variant was classified as uncertain significance.

NM_000110.4(DPYD):c.2177_2179dup (p.Glu726_Gly727insGlu)

Genes: DPYD (dihydropyrimidine dehydrogenase; minus strand), DPYD-AS1 (DPYD antisense RNA 1; plus strand). Cytogenetic location: 1p21.3.
Variant type: Duplication.
Coding change: c.2177_2179dup on transcript NM_000110.4 (MANE Select); coding-DNA positions 2177 to 2179, 3 bases duplicated (AAG; older notation c.2177_2179dupAAG).
Protein change: p.Glu726_Gly727insGlu.
Genome position (GRCh38, 1-based): chr1:97,306,177-97,306,179, CTT duplicated on the plus strand (AAG on the coding strand, the reverse complement: DPYD is on the minus strand); duplicating any 3 consecutive bases within chr1:97,306,177-97,306,180 gives the same sequence; the c. name uses the placement nearest the transcript's 3' end. VCF-style (leftmost placement, unchanged base first): chr1-97306176-C-CCTT. GRCh37 (hg19) VCF-style: chr1-97771732-C-CCTT.
Other names: c.2177_2179dupAAG (NM_000110.4).
Identifiers: ClinVar variation 3907178 (VCV003907178.1).